The following is an entry in ClinVar:

ClinVar aggregate classification (germline): Uncertain significance (1 of 4 stars; one submission).

Conditions:
Hereditary cancer-predisposing syndrome. Also called: Neoplastic Syndromes, Hereditary; Tumor predisposition; Hereditary Cancer Syndrome; Hereditary neoplastic syndrome. Identifiers: Orphanet 140162, MedGen C0027672, MeSH D009386, MONDO:0015356.

Submission:

Ambry Genetics
Classification: Uncertain significance for Hereditary cancer-predisposing syndrome. Last evaluated: 2026-04-09. Review status: criteria provided, single submitter. Criteria: Ambry Variant Classification Scheme 2023. Collection method: clinical testing. Allele origin: germline.
Comment: The c.840delA variant, located in coding exon 9 of the POLE gene, results from a deletion of one nucleotide at nucleotide position 840, causing a translational frameshift with a predicted alternate stop codon (p.K280Nfs*15). This alteration is expected to result in loss of function by premature protein truncation or nonsense-mediated mRNA decay. Although biallelic loss of function of POLE has been associated with autosomal recessive POLE deficiency, haploinsufficiency of POLE has not been established as a mechanism of disease for POLE-related polymerase proofreading-associated polyposis (PPAP) and POLE-related CMMRD-like syndrome. Based on the supporting evidence, this variant is expected to be causative of POLE deficiency when present along with a second pathogenic variant on the other allele; however, its clinical significance for PPAP and POLE-related CMMRD-like syndrome is unclear.

NM_006231.4(POLE):c.840del (p.Lys280fs)

Gene: POLE (DNA polymerase epsilon, catalytic subunit; minus strand). Cytogenetic location: 12q24.33.
Variant type: Deletion.
Coding change: c.840del on transcript NM_006231.4 (MANE Select); coding-DNA position 840, one base deleted (A; older notation c.840delA).
Protein change: p.Lys280fs; shifts the reading frame from lysine 280.
Molecular consequence: frameshift variant.
Genome position (GRCh38, 1-based): chr12:132,676,615, T deleted on the plus strand (A on the coding strand, the reverse complement: POLE is on the minus strand); the first of 3 consecutive T bases (chr12:132,676,615-132,676,617); deleting any one gives the same sequence. VCF-style (leftmost placement, unchanged base first): chr12-132676614-GT-G. GRCh37 (hg19) VCF-style: chr12-133253200-GT-G.
Other names: short protein forms K280fs.
Identifiers: ClinVar variation 4862260 (VCV004862260.1).